The following is an entry in ClinVar:

ClinVar aggregate classification (germline): Pathogenic (1 of 4 stars; one submission).

Conditions:
USH2A-related disorder. Also called: USH2A-related condition; USH2A-related disorders. Identifiers: MedGen CN239332.

Submission:

Myriad Genetics, Inc.
Classification: Pathogenic for USH2A-related disorder. Last evaluated: 2025-05-14. Review status: criteria provided, single submitter. Criteria: Myriad Autosomal Dominant, Autosomal Recessive and X-Linked Classification Criteria (2023). Collection method: clinical testing. Allele origin: unknown.
Comment: NM_206933.2(USH2A):c.7326delG(R2442Sfs*32) is a frameshift variant classified as pathogenic in the context of USH2A-related disorders. R2442Sfs*32 has not been observed in cases with relevant disease. Relevant functional assessments of this variant are not available in the literature. R2442Sfs*32 has not been observed in referenced population frequency databases. In summary, NM_206933.2(USH2A):c.7326delG(R2442Sfs*32) is a frameshift variant in a gene where loss of function is a known mechanism of disease and is predicted to disrupt protein function. Please note: this variant was assessed in the context of healthy population screening.

NM_206933.4(USH2A):c.7326del (p.Arg2442fs)

Gene: USH2A (usherin; minus strand). Cytogenetic location: 1q41.
Variant type: Deletion.
Coding change: c.7326del on transcript NM_206933.4 (MANE Select); coding-DNA position 7326, one base deleted (G; older notation c.7326delG).
Protein change: p.Arg2442fs; shifts the reading frame from arginine 2442.
Molecular consequence: frameshift variant.
Genome position (GRCh38, 1-based): chr1:215,900,880, C deleted on the plus strand (G on the coding strand, the reverse complement: USH2A is on the minus strand); the first of 2 consecutive C bases (chr1:215,900,880-215,900,881); deleting either gives the same sequence. VCF-style (leftmost placement, unchanged base first): chr1-215900879-GC-G. GRCh37 (hg19) VCF-style: chr1-216074221-GC-G.
Other names: short protein forms R2442fs.
Identifiers: ClinVar variation 4081848 (VCV004081848.1).